The following is an entry in ClinVar:

ClinVar aggregate classification (germline): Uncertain significance (1 of 4 stars; one submission).

Conditions:
Neuronal ceroid lipofuscinosis. Also called: Neuronal Ceroid Lipofuscinoses. Identifiers: Orphanet 216, Orphanet 79263, MedGen C0027877, MONDO:0016295. Disease mechanism: loss of function.

gnomAD v4.1: 1 of 1,614,232 alleles (0.000062%); highest among the groups gnomAD compares: Non-Finnish European, 0.000085%; no homozygotes.

Submission:

Labcorp Genetics (formerly Invitae), Labcorp
Classification: Uncertain significance for Neuronal ceroid lipofuscinosis. Last evaluated: 2024-02-17. Review status: criteria provided, single submitter. Criteria: Invitae Variant Classification Sherloc (09022015). Collection method: clinical testing. Allele origin: germline.
Comment: This sequence change replaces glutamic acid, which is acidic and polar, with lysine, which is basic and polar, at codon 269 of the CLN8 protein (p.Glu269Lys). This variant is not present in population databases (gnomAD no frequency). This variant has not been reported in the literature in individuals affected with CLN8-related conditions. Advanced modeling of protein sequence and biophysical properties (such as structural, functional, and spatial information, amino acid conservation, physicochemical variation, residue mobility, and thermodynamic stability) has been performed at Invitae for this missense variant, however the output from this modeling did not meet the statistical confidence thresholds required to predict the impact of this variant on CLN8 protein function. In summary, the available evidence is currently insufficient to determine the role of this variant in disease. Therefore, it has been classified as a Variant of Uncertain Significance.

NM_018941.4(CLN8):c.805G>A (p.Glu269Lys)

Gene: CLN8 (CLN8 transmembrane ER and ERGIC protein; plus strand). Cytogenetic location: 8p23.3.
Variant type: single nucleotide variant.
Coding change: c.805G>A on transcript NM_018941.4 (MANE Select); coding-DNA position 805, G replaced by A.
Protein change: p.Glu269Lys; replaces glutamic acid 269 with lysine.
Molecular consequence: missense variant.
Genome position (GRCh38, 1-based): chr8:1,780,511, G>A. VCF-style: chr8-1780511-G-A. GRCh37 (hg19) VCF-style: chr8-1728677-G-A.
Other names: short protein forms E269K.
Identifiers: ClinVar variation 3637073 (VCV003637073.2).